The following is an entry in ClinVar:

ClinVar aggregate classification (germline): Likely pathogenic. Review status: criteria provided, multiple submitters, no conflicts (2 of 4 stars). 2 submissions from 2 submitters: Likely pathogenic (2). Last evaluated 2026-08-06.

Submissions (2):

OLLIN Analises Genomicas, OLLIN
Classification: Likely pathogenic. Last evaluated: 2026-08-06. Review status: criteria provided, single submitter. Criteria: ACMG Guidelines 2015 PMID 25741868. Collection method: clinical testing. Allele origin: germline.
Comment: This frameshift variant, located in exon 4 (of 10), is absent from gnomAD and ClinVar and has not been identified in the literature. This variant causes a frameshift and introduces a premature stop codon, which is predicted to result in either a truncated protein or degradation of the mRNA via nonsense-mediated decay (NMD). According to the currently available evidence, this variant has been classified as likely pathogenic (PVS1, PM2_P).

Dasa
Classification: Likely pathogenic. Last evaluated: 2025-03-03. Review status: criteria provided, single submitter. Criteria: DASA Assertion Criteria. Collection method: clinical testing. Allele origin: germline.
Comment: NM_152783.5(D2HGDH):c.398_399del (p.Thr133Argfs*11) is a frameshift variant in D2HGDH predicted to alter the reading frame and introduce a premature termination codon and is predicted to result in an absent or altered protein product. Loss of function is an established disease mechanism for D2HGDH-associated disorders. Also, this variant is absent from population databases. Based on the currently available evidence, this variant is classified as likely pathogenic.

NM_152783.5(D2HGDH):c.398_399del (p.Thr133fs)

Gene: D2HGDH (D-2-hydroxyglutarate dehydrogenase; plus strand). Cytogenetic location: 2q37.3.
Variant type: Microsatellite.
Coding change: c.398_399del on transcript NM_152783.5 (MANE Select); coding-DNA positions 398 to 399, 2 bases deleted (CA; older notation c.398_399delCA).
Protein change: p.Thr133fs; shifts the reading frame from threonine 133.
Molecular consequence: frameshift variant. On other transcripts: 5 prime UTR variant (2), non-coding transcript variant (1).
Genome position (GRCh38, 1-based): chr2:241,742,482-241,742,483, CA deleted; deleting any 2 consecutive bases within chr2:241,742,479-241,742,483 gives the same sequence; the c. name uses the placement nearest the transcript's 3' end. VCF-style (leftmost placement, unchanged base first): chr2-241742478-AAC-A. GRCh37 (hg19) VCF-style: chr2-242681893-AAC-A.
Other names: c.-7CA[1] (NM_001287249.2); c.-149CA[1] (NM_001352824.2); short protein forms T133fs.
Identifiers: ClinVar variation 4880687 (VCV004880687.3).